The following is an entry in ClinVar:

ClinVar aggregate classification (germline): Benign. Review status: criteria provided, multiple submitters, no conflicts (2 of 4 stars). 4 submissions from 4 submitters: Benign (4). Last evaluated 2026-02-01.

Allele frequency attached by ClinVar (database versions not stated): gnomAD exomes 0.00346 and 0.00595; ExAC 0.00712; ESP Exome Variant Server 0.02134; gnomAD 0.02155 and 0.02330; 1000 Genomes Project 0.02196; 1000 Genomes Project 30x 0.02374; TOPMed 0.02427.
gnomAD v4.1: 8,451 of 1,613,958 alleles (0.52%); highest among the groups gnomAD compares: African/African-American, 7.3%; 223 homozygotes.

Submissions (4):

Labcorp Genetics (formerly Invitae), Labcorp
Classification: Benign. Last evaluated: 2026-02-01. Review status: criteria provided, single submitter. Criteria: Invitae Variant Classification Sherloc (09022015). Collection method: clinical testing. Allele origin: germline.

Athena Diagnostics
Classification: Benign. Last evaluated: 2018-05-23. Review status: criteria provided, single submitter. Criteria: Athena Diagnostics Criteria. Collection method: clinical testing. Allele origin: germline.

GeneDx
Classification: Benign. Last evaluated: 2017-10-23. Review status: criteria provided, single submitter. Criteria: GeneDx Variant Classification (06012015). Collection method: clinical testing. Allele origin: germline. Affected: yes.
Comment: This variant is considered likely benign or benign based on one or more of the following criteria: it is a conservative change, it occurs at a poorly conserved position in the protein, it is predicted to be benign by multiple in silico algorithms, and/or has population frequency not consistent with disease.

Laboratory for Molecular Medicine, Mass General Brigham Personalized Medicine
Classification: Benign. Last evaluated: 2017-08-23. Review status: criteria provided, single submitter. Criteria: LMM Criteria. Collection method: clinical testing. Allele origin: germline. Observed: 6 variant alleles.
Comment: p.Ala333Ala in exon 12 of FAM65B: This variant is not expected to have clinical significance because it does not alter an amino acid residue, is not located wit hin the splice consensus sequence, and has been identified in 7.47% (707/9468) o f African chromosomes by the Exome Aggregation Consortium (ExAC; dbSNP rs35698586).

NM_001286445.3(RIPOR2):c.1086A>G (p.Ala362=)

Gene: RIPOR2 (RHO family interacting cell polarization regulator 2; minus strand). Cytogenetic location: 6p22.3.
Variant type: single nucleotide variant.
Coding change: c.1086A>G on transcript NM_001286445.3 (MANE Select); coding-DNA position 1086, A replaced by G.
Protein change: p.Ala362=; no amino-acid change (alanine 362 retained).
Molecular consequence: synonymous variant.
Genome position (GRCh38, 1-based): chr6:24,848,103, T>C on the plus strand (A>G on the coding strand, the complement: RIPOR2 is on the minus strand). VCF-style: chr6-24848103-T-C. GRCh37 (hg19) VCF-style: chr6-24848331-T-C.
Other names: c.1101A>G, p.Ala367= (NM_001286446.3); c.999A>G, p.Ala333= (NM_001286447.2, NM_001346031.2, NM_001346032.2 and 2 more transcripts).
Identifiers: ClinVar variation 509124 (VCV000509124.15), dbSNP rs35698586, ClinGen allele CA3659337.
Genomic context (GRCh38, chr6:24,848,103, plus strand): 5'-GAAGGTGGGCGTTTCCGGGGTACCCTGGCTGTACATGGACATTCTCCTCTGAAGGGCTGC[T>C]GCCTTGTTCCCAGCGCCTGAGGATGCGGTCATGTCCTCCACGTCAAATGGACTGCAAAAC-3'
Protein context (NP_001273374.1, residues 352-372): MTASSGAGNK[Ala362=]AALQRRMSMY